The following is an entry in ClinVar:

ClinVar aggregate classification (germline): Benign (1 of 4 stars; one submission).

Conditions:
Leigh syndrome (NULS). Also called: Leigh's necrotizing encephalopathy; Leigh's disease; Leigh's syndrome; LEIGH SYNDROME, NUCLEAR; Leigh Syndrome (mtDNA deletion); Leigh Disease. Identifiers: Orphanet 506, MedGen C2931891, MONDO:0009723, OMIM 256000.

Submission:

Wong Mito Lab, Molecular and Human Genetics, Baylor College of Medicine
Classification: Benign for Leigh syndrome. Last evaluated: 2019-10-17. Review status: criteria provided, single submitter. Criteria: Modified ACMG Guidelines (Unpublished). Collection method: clinical testing. Allele origin: germline.
Comment: The NC_012920.1:m.13681A>G (YP_003024036.1:p.Thr449Ala) variant in MTND5 gene is interpretated to be a Benign variant based on the modified ACMG guidelines (unpublished). This variant meets the following evidence codes: BS1, BS2, BP4

NC_012920.1(MT-ND5):m.13681A>G

Gene: MT-ND5 (mitochondrially encoded NADH dehydrogenase 5; plus strand).
Variant type: single nucleotide variant.
Genome position: chrM-13681-A-G.
Identifiers: ClinVar variation 693591 (VCV000693591.1), dbSNP rs386829187, ClinGen allele CA414819058.